The following is an entry in ClinVar:

ClinVar aggregate classification (germline): Pathogenic (1 of 4 stars; one submission).

Conditions:
X-linked Emery-Dreifuss muscular dystrophy. Also called: Muscular dystrophy, tardive Emery-Dreifuss type, with contractures. Identifiers: Orphanet 261, Orphanet 98863, MedGen C0751337, MONDO:0010680.

Allele frequency attached by ClinVar (database versions not stated): gnomAD exomes below 0.00001.

Submission:

Labcorp Genetics (formerly Invitae), Labcorp
Classification: Pathogenic for X-linked Emery-Dreifuss muscular dystrophy. Last evaluated: 2023-11-28. Review status: criteria provided, single submitter. Criteria: Invitae Variant Classification Sherloc (09022015). Collection method: clinical testing. Allele origin: germline.
Comment: This sequence change creates a premature translational stop signal (p.Gln86*) in the EMD gene. It is expected to result in an absent or disrupted protein product. Loss-of-function variants in EMD are known to be pathogenic (PMID: 24365856). This variant is not present in population databases (gnomAD no frequency). This premature translational stop signal has been observed in individual(s) with Emery-Dreifuss muscular dystrophy (PMID: 21697856). Algorithms developed to predict the effect of sequence changes on RNA splicing suggest that this variant may disrupt the consensus splice site. For these reasons, this variant has been classified as Pathogenic.

Literature cited by the submitters: PubMed 24365856; PubMed 21697856.

NM_000117.3(EMD):c.256C>T (p.Gln86Ter)

Gene: EMD (emerin; plus strand). Cytogenetic location: Xq28.
Variant type: single nucleotide variant.
Coding change: c.256C>T on transcript NM_000117.3 (MANE Select); coding-DNA position 256, C replaced by T.
Protein change: p.Gln86Ter; replaces glutamine 86 with a stop codon.
Molecular consequence: nonsense.
Genome position (GRCh38, 1-based): chrX:154,380,010, C>T. VCF-style: chrX-154380010-C-T. GRCh37 (hg19) VCF-style: chrX-153608370-C-T.
Other names: short protein forms Q86*.
Identifiers: ClinVar variation 2737439 (VCV002737439.3), dbSNP rs2522788352, ClinGen allele CA415257741.